The following is an entry in ClinVar:

NM_001394062.1(MACF1):c.11587G>A (p.Ala3863Thr)

Gene: MACF1 (microtubule actin crosslinking factor 1; plus strand). Cytogenetic location: 1p34.3.
Variant type: single nucleotide variant.
Coding change: c.11587G>A on transcript NM_001394062.1 (MANE Select); coding-DNA position 11587, G replaced by A.
Protein change: p.Ala3863Thr; replaces alanine 3863 with threonine.
Molecular consequence: missense variant.
Genome position (GRCh38, 1-based): chr1:39,357,537, G>A. VCF-style: chr1-39357537-G-A. GRCh37 (hg19) VCF-style: chr1-39823209-G-A.
Other names: c.5401G>A, p.Ala1801Thr (NM_012090.5); short protein forms A1801T, A3863T.
Identifiers: ClinVar variation 2629317 (VCV002629317.1), dbSNP rs2522343198, ClinGen allele CA339818437.
Genomic context (GRCh38, chr1:39,357,537, plus strand): 5'-GAGCAACAGATGCTGCAACAGAAGCTGGGAGAGCTAAAGGAACAATACTCTACTTCCCTG[G>A]CCCAATCAGAGGCAGAACTGAAGCAGGTGCAGACACTTCAGGATGAGTTGCAGAAATTTC-3'
Protein context (NP_001380991.1, residues 3853-3873): ELKEQYSTSL[Ala3863Thr]QSEAELKQVQ

ClinVar aggregate classification (germline): Uncertain significance (1 of 4 stars; one submission).

Conditions:
MACF1-related disorder. Also called: MACF1-related condition.

Submission:

PreventionGenetics, part of Exact Sciences
Classification: Uncertain significance for MACF1-related condition. Last evaluated: 2022-10-24. Review status: criteria provided, single submitter. Criteria: ACMG Guidelines, 2015. Collection method: clinical testing. Allele origin: germline.
Comment: The MACF1 c.5401G>A variant is predicted to result in the amino acid substitution p.Ala1801Thr. To our knowledge, this variant has not been reported in the literature or in a large population database, indicating this variant is rare. At this time, the clinical significance of this variant is uncertain due to the absence of conclusive functional and genetic evidence.